The following is an entry in ClinVar:

ClinVar aggregate classification (germline): Pathogenic/Likely pathogenic. Review status: criteria provided, multiple submitters, no conflicts (2 of 4 stars). 2 submissions from 2 submitters: Pathogenic (1); Likely pathogenic (1). Last evaluated 2025-08-18.

Conditions:
Charcot-Marie-Tooth disease. Also called: Charcot-Marie-Tooth Hereditary Neuropathy; Charcot-Marie-Tooth Neuropathy. Identifiers: Orphanet 166, MedGen C0007959, MONDO:0015626.
Charcot-Marie-Tooth Neuropathy X. Identifiers: MedGen CN118851.

Submissions (2):

Labcorp Genetics (formerly Invitae), Labcorp
Classification: Pathogenic for Charcot-Marie-Tooth Neuropathy X. Last evaluated: 2025-08-18. Review status: criteria provided, single submitter. Criteria: Invitae Variant Classification Sherloc (09022015). Collection method: clinical testing. Allele origin: germline.
Comment: This sequence change replaces tryptophan, which is neutral and slightly polar, with cysteine, which is neutral and slightly polar, at codon 24 of the GJB1 protein (p.Trp24Cys). This variant is not present in population databases (gnomAD no frequency). This missense change has been observed in individuals with Charcot-Marie-Tooth disease (PMID: 12185164; internal data). It has also been observed to segregate with disease in related individuals. ClinVar contains an entry for this variant (Variation ID: 917092). Invitae Evidence Modeling of protein sequence and biophysical properties (such as structural, functional, and spatial information, amino acid conservation, physicochemical variation, residue mobility, and thermodynamic stability) indicates that this missense variant is expected to disrupt GJB1 protein function with a positive predictive value of 95%. This variant disrupts the p.Trp24 amino acid residue in GJB1. Other variant(s) that disrupt this residue have been observed in individuals with GJB1-related conditions (PMID: 23011429), which suggests that this may be a clinically significant amino acid residue. For these reasons, this variant has been classified as Pathogenic.

Molecular Genetics Laboratory, London Health Sciences Centre
Classification: Likely pathogenic for Charcot-Marie-Tooth disease. Review status: criteria provided, single submitter. Criteria: ACMG Guidelines, 2015. Collection method: clinical testing. Allele origin: germline. Affected: yes.

Literature cited by the submitters: PubMed 12185164 (cited by Labcorp Genetics (formerly Invitae), Labcorp); PubMed 23011429 (cited by Labcorp Genetics (formerly Invitae), Labcorp).

NM_000166.6(GJB1):c.72G>C (p.Trp24Cys)

Gene: GJB1 (gap junction protein beta 1; plus strand). Cytogenetic location: Xq13.1.
Variant type: single nucleotide variant.
Coding change: c.72G>C on transcript NM_000166.6 (MANE Select); coding-DNA position 72, G replaced by C.
Protein change: p.Trp24Cys; replaces tryptophan 24 with cysteine.
Molecular consequence: missense variant.
Genome position (GRCh38, 1-based): chrX:71,223,779, G>C. VCF-style: chrX-71223779-G-C. GRCh37 (hg19) VCF-style: chrX-70443629-G-C.
Other names: c.72G>C, p.Trp24Cys (NM_001097642.3); short protein forms W24C.
Identifiers: ClinVar variation 917092 (VCV000917092.5), dbSNP rs1602348658, ClinGen allele CA413500761.